The following is an entry in ClinVar:

NM_000719.7(CACNA1C):c.5093G>A (p.Arg1698Lys)

Genes: CACNA1C-AS1 (CACNA1C antisense RNA 1; minus strand), CACNA1C (calcium voltage-gated channel subunit alpha1 C; plus strand). Cytogenetic location: 12p13.33.
Variant type: single nucleotide variant.
Coding change: c.5093G>A on transcript NM_000719.7 (MANE Select); coding-DNA position 5093, G replaced by A.
Protein change: p.Arg1698Lys; replaces arginine 1698 with lysine.
Molecular consequence: missense variant.
Genome position (GRCh38, 1-based): chr12:2,679,445, G>A. VCF-style: chr12-2679445-G-A. GRCh37 (hg19) VCF-style: chr12-2788611-G-A.
Other names: c.5093G>A, p.Arg1698Lys (NM_001129842.2, NM_001129843.2, NM_001167623.2 and 4 more transcripts); c.5084G>A, p.Arg1695Lys (NM_001129844.2); c.5060G>A, p.Arg1687Lys (NM_001129846.2, NM_001167625.2); c.5237G>A, p.Arg1746Lys (NM_199460.4, NM_001129827.2); c.5177G>A, p.Arg1726Lys (NM_001129831.2); c.5153G>A, p.Arg1718Lys (NM_001129832.2); c.5150G>A, p.Arg1717Lys (NM_001129833.2, NM_001129834.2, NM_001129835.2); c.5144G>A, p.Arg1715Lys (NM_001129836.2); and 3 more; short protein forms R1687K, R1695K, R1698K, R1704K, R1706K, R1715K, R1717K, R1718K.
Identifiers: ClinVar variation 4282110 (VCV004282110.1).
Genomic context (GRCh38, chr12:2,679,445, plus strand): 5'-TCTCTGGGAGGAGTGGGTGCTAAGGGGCTTCTCCACCCACCCCTCCTTCTTGCCTACAGA[G>A]GGCCGGTGGCCTGTTCGGCAACCACGTCAGCTACTACCAAAGCGACGGCCGGAGCGCCTT-3'
Protein context (NP_000710.5, residues 1688-1708): SAASEDDIFR[Arg1698Lys]AGGLFGNHVS

ClinVar aggregate classification (germline): Uncertain significance (1 of 4 stars; one submission).

Submission:

GeneDx
Classification: Uncertain significance. Last evaluated: 2025-04-14. Review status: criteria provided, single submitter. Criteria: GeneDx Variant Classification Process June 2021. Collection method: clinical testing. Allele origin: germline. Affected: yes.
Comment: Not observed at significant frequency in large population cohorts (gnomAD); In silico analysis supports that this missense variant has a deleterious effect on protein structure/function; In silico analysis supports a deleterious effect on splicing; Has not been previously published as pathogenic or benign to our knowledge